The following is an entry in ClinVar:

ClinVar aggregate classification (germline): Uncertain significance (1 of 4 stars; one submission).

Allele frequency attached by ClinVar (database versions not stated): gnomAD exomes below 0.00001; ExAC 0.00002; gnomAD 0.00003.

Submission:

GeneDx
Classification: Uncertain significance. Last evaluated: 2022-04-15. Review status: criteria provided, single submitter. Criteria: GeneDx Variant Classification Process June 2021. Collection method: clinical testing. Allele origin: germline. Affected: yes.
Comment: In silico analysis supports that this missense variant does not alter protein structure/function; Has not been previously published as pathogenic or benign to our knowledge

NM_001371623.1(TCOF1):c.4127C>T (p.Ala1376Val)

Gene: TCOF1 (treacle ribosome biogenesis factor 1; plus strand). Cytogenetic location: 5q32.
Variant type: single nucleotide variant.
Coding change: c.4127C>T on transcript NM_001371623.1 (MANE Select); coding-DNA position 4127, C replaced by T.
Protein change: p.Ala1376Val; replaces alanine 1376 with valine.
Molecular consequence: missense variant.
Genome position (GRCh38, 1-based): chr5:150,396,624, C>T. VCF-style: chr5-150396624-C-T. GRCh37 (hg19) VCF-style: chr5-149776187-C-T.
Other names: c.3893C>T, p.Ala1298Val (NM_000356.4); c.4124C>T, p.Ala1375Val (NM_001135243.2); c.4013C>T, p.Ala1338Val (NM_001135244.2); c.3896C>T, p.Ala1299Val (NM_001135245.2); c.4010C>T, p.Ala1337Val (NM_001195141.2); short protein forms A1298V, A1299V, A1337V, A1338V, A1375V, A1376V.
Identifiers: ClinVar variation 1710883 (VCV001710883.2), dbSNP rs766537203, ClinGen allele CA3511670.